The following is an entry in ClinVar:

ClinVar aggregate classification (germline): Uncertain significance (1 of 4 stars; one submission).

Conditions:
P2RX2-related disorder. Also called: P2RX2-related condition.

Submission:

PreventionGenetics, part of Exact Sciences
Classification: Uncertain significance for P2RX2-related condition. Last evaluated: 2025-04-23. Review status: criteria provided, single submitter. Criteria: ACMG Guidelines, 2015. Collection method: clinical testing. Allele origin: germline.
Comment: The P2RX2 c.701T>C variant is predicted to result in the amino acid substitution p.Leu234Pro. To our knowledge, this variant has not been reported in the literature or in a large population database (gnomAD), indicating this variant is rare. At this time, the clinical significance of this variant is uncertain due to the absence of conclusive functional and genetic evidence.

NM_170682.4(P2RX2):c.701T>C (p.Leu234Pro)

Gene: P2RX2 (purinergic receptor P2X 2; plus strand). Cytogenetic location: 12q24.33.
Variant type: single nucleotide variant.
Coding change: c.701T>C on transcript NM_170682.4 (MANE Select); coding-DNA position 701, T replaced by C.
Protein change: p.Leu234Pro; replaces leucine 234 with proline.
Molecular consequence: missense variant. On other transcripts: synonymous variant (1).
Genome position (GRCh38, 1-based): chr12:132,620,510, T>C. VCF-style: chr12-132620510-T-C. GRCh37 (hg19) VCF-style: chr12-133197096-T-C.
Other names: c.594T>C, p.Pro198= (NM_001282164.2); c.701T>C, p.Leu234Pro (NM_001282165.2, NM_170683.4, NM_174873.3); c.485T>C, p.Leu162Pro (NM_012226.5); c.629T>C, p.Leu210Pro (NM_016318.4); c.425T>C, p.Leu142Pro (NM_174872.3); short protein forms L210P, L162P, L142P, L234P.
Identifiers: ClinVar variation 4984207 (VCV004984207.1).